The following is an entry in ClinVar:

NM_018089.3(ANKZF1):c.148+9_148+10delinsAC

Gene: ANKZF1 (ankyrin repeat and zinc finger peptidyl tRNA hydrolase 1; plus strand). Cytogenetic location: 2q35.
Variant type: Indel.
Coding change: c.148+9_148+10delinsAC on transcript NM_018089.3 (MANE Select); bases 9 to 10 of the intron after coding-DNA position 148, GA replaced by AC.
Molecular consequence: intron variant.
Genome position (GRCh38, 1-based): chr2:219,230,414-219,230,415, GA replaced by AC. VCF-style: chr2-219230414-GA-AC. GRCh37 (hg19) VCF-style: chr2-220095136-GA-AC.
Other names: c.148+9_148+10delinsAC (NM_001042410.2); c.-267+514_-267+515delinsAC (NM_001282792.2).
Identifiers: ClinVar variation 1397980 (VCV001397980.8), dbSNP rs2106454256, ClinGen allele CA2573135338.
Genomic context (GRCh38, chr2:219,230,414, plus strand): 5'-AGCCACGCGCCTGGGGAGGCTCTGGCCCGGGCTCCGCGTACTTCCTGTTCAGGTATCCTG[GA>AC]AGGTTTCGTGTGAAACGTGACAGGGCTCCTTACAGCGTATTGCCCGTTCAGGGAACACAT-3'

ClinVar aggregate classification (germline): Uncertain significance (1 of 4 stars; one submission).

Submission:

Labcorp Genetics (formerly Invitae), Labcorp
Classification: Uncertain significance. Last evaluated: 2025-11-14. Review status: criteria provided, single submitter. Criteria: Invitae Variant Classification Sherloc (09022015). Collection method: clinical testing. Allele origin: germline.
Comment: This sequence change falls in intron 2 of the ANKZF1 gene. It does not directly change the encoded amino acid sequence of the ANKZF1 protein. Information on the frequency of this variant in the gnomAD database is not available, as this variant may be reported differently in the database. This variant has not been reported in the literature in individuals affected with ANKZF1-related conditions. ClinVar contains an entry for this variant (Variation ID: 1397980). In summary, the available evidence is currently insufficient to determine the role of this variant in disease. Therefore, it has been classified as a Variant of Uncertain Significance.